The following is an entry in ClinVar:

ClinVar aggregate classification (germline): Uncertain significance (1 of 4 stars; one submission).

Conditions:
Hereditary cancer-predisposing syndrome. Also called: Hereditary neoplastic syndrome; Hereditary Cancer Syndrome; Neoplastic Syndromes, Hereditary; Tumor predisposition. Identifiers: Orphanet 140162, MedGen C0027672, MeSH D009386, MONDO:0015356.

Submission:

Ambry Genetics
Classification: Uncertain significance for Hereditary cancer-predisposing syndrome. Last evaluated: 2023-04-27. Review status: criteria provided, single submitter. Criteria: Ambry Variant Classification Scheme 2023. Collection method: clinical testing. Allele origin: germline.
Comment: The c.2784+5G>T intronic variant results from a G to T substitution 5 nucleotides after coding exon 11 in the MET gene. This nucleotide position is highly conserved in available vertebrate species. In silico splice site analysis for this alteration is inconclusive. Since supporting evidence is limited at this time, the clinical significance of this alteration remains unclear.

NM_000245.4(MET):c.2730+5G>T

Gene: MET (MET proto-oncogene, receptor tyrosine kinase; plus strand). Cytogenetic location: 7q31.2.
Variant type: single nucleotide variant.
Coding change: c.2730+5G>T on transcript NM_000245.4 (MANE Select); 5 bases into the intron after coding-DNA position 2730, G replaced by T.
Molecular consequence: intron variant. On other transcripts: missense variant (1).
Genome position (GRCh38, 1-based): chr7:116,769,796, G>T. VCF-style: chr7-116769796-G-T. GRCh37 (hg19) VCF-style: chr7-116409850-G-T.
Other names: c.2735G>T, p.Gly912Val (NM_001324401.3); c.2784+5G>T (NM_001127500.3); c.1440+5G>T (NM_001324402.2); short protein forms G912V.
Identifiers: ClinVar variation 2567686 (VCV002567686.2), dbSNP rs2116984761, ClinGen allele CA368985931.